The following is an entry in ClinVar:

NM_001382391.1(CSPP1):c.2711-1G>C

Gene: CSPP1 (centrosome and spindle pole associated protein 1; plus strand). Cytogenetic location: 8q13.2.
Variant type: single nucleotide variant.
Coding change: c.2711-1G>C on transcript NM_001382391.1 (MANE Select); the canonical splice acceptor site of the intron before coding-DNA position 2711, G replaced by C.
Molecular consequence: splice acceptor variant.
Genome position (GRCh38, 1-based): chr8:67,164,390, G>C. VCF-style: chr8-67164390-G-C. GRCh37 (hg19) VCF-style: chr8-68076625-G-C.
Other names: c.2516-1G>C (NM_001363132.2); c.2630-1G>C (NM_001363131.2); c.2435-1G>C (NM_001363133.2); c.2777-1G>C (NM_001364869.1); c.2696-1G>C (NM_024790.7, NM_001438331.1); c.2543-1G>C (NM_001438330.1); c.2597-1G>C (NM_001364870.1); c.2012-1G>C (NM_001438332.1); and 1 more.
Identifiers: ClinVar variation 5018951 (VCV005018951.2).

ClinVar aggregate classification (germline): Likely pathogenic (1 of 4 stars; one submission).

Conditions:
Joubert syndrome 21 (JBTS21). Identifiers: MedGen C3810212, MONDO:0014288, OMIM 615636.

Submission:

Juno Genomics, Hangzhou Juno Genomics, Inc
Classification: Likely pathogenic for Joubert syndrome 21. Review status: criteria provided, single submitter. Criteria: ACMG Guidelines, 2015. Collection method: clinical testing. Allele origin: germline.
Comment: Absent from controls (or at extremely low frequency if recessive) in Genome Aggregation Database.;Null variant in a gene where loss of function (LOF) is a known mechanism of disease.